The following is an entry in ClinVar:

NM_013275.6(ANKRD11):c.4471G>T (p.Glu1491Ter)

Gene: ANKRD11 (ankyrin repeat domain 11; minus strand). Cytogenetic location: 16q24.3.
Variant type: single nucleotide variant.
Coding change: c.4471G>T on transcript NM_013275.6 (MANE Select); coding-DNA position 4471, G replaced by T.
Protein change: p.Glu1491Ter; replaces glutamic acid 1491 with a stop codon.
Molecular consequence: nonsense.
Genome position (GRCh38, 1-based): chr16:89,282,071, C>A on the plus strand (G>T on the coding strand, the complement: ANKRD11 is on the minus strand). VCF-style: chr16-89282071-C-A. GRCh37 (hg19) VCF-style: chr16-89348479-C-A.
Other names: c.4471G>T, p.Glu1491Ter (NM_001256182.2, NM_001256183.2); short protein forms E1491*.
Identifiers: ClinVar variation 4853903 (VCV004853903.1).

ClinVar aggregate classification (germline): Likely pathogenic (1 of 4 stars; one submission).

Conditions:
KBG syndrome (KBGS). Also called: ANKRD11-Related KBG Syndrome. Identifiers: Orphanet 2332, MedGen C0220687, MONDO:0007846, OMIM 148050.

gnomAD v4.1: 1 of 1,613,858 alleles (0.000062%); no homozygotes.

Submission:

3billion
Classification: Likely pathogenic for KBG syndrome. Last evaluated: 2025-10-07. Review status: criteria provided, single submitter. Criteria: ACMG Guidelines, 2015. Collection method: clinical testing. Allele origin: germline. Affected: yes.
Comment: The variant is observed at an extremely low frequency in the gnomAD v4.1.0 dataset (total allele frequency: <0.001%). Predicted Consequence/Location: Stop-gained (nonsense): predicted to result in a loss or disruption of normal protein function through nonsense-mediated decay (NMD) or protein truncation. Multiple pathogenic variants are reported downstream of the variant. Therefore, this variant is classified as Likely pathogenic according to the recommendation of ACMG/AMP guideline.